The following is an entry in ClinVar:

NM_005477.3(HCN4):c.1612A>G (p.Met538Val)

Gene: HCN4 (hyperpolarization activated cyclic nucleotide gated potassium channel 4; minus strand). Cytogenetic location: 15q24.1.
Variant type: single nucleotide variant.
Coding change: c.1612A>G on transcript NM_005477.3 (MANE Select); coding-DNA position 1612, A replaced by G.
Protein change: p.Met538Val; replaces methionine 538 with valine.
Molecular consequence: missense variant.
Genome position (GRCh38, 1-based): chr15:73,325,423, T>C on the plus strand (A>G on the coding strand, the complement: HCN4 is on the minus strand). VCF-style: chr15-73325423-T-C. GRCh37 (hg19) VCF-style: chr15-73617764-T-C.
Other names: short protein forms M538V.
Identifiers: ClinVar variation 843808 (VCV000843808.11), dbSNP rs375571257, ClinGen allele CA7649250.

ClinVar aggregate classification (germline): Uncertain significance. Review status: criteria provided, multiple submitters, no conflicts (2 of 4 stars). 2 submissions from 2 submitters: Uncertain significance (2). Last evaluated 2026-05-28.

Conditions:
Cardiovascular phenotype. Identifiers: MedGen CN230736.
Brugada syndrome 8 (BRGDA8). Identifiers: Orphanet 130, MedGen C2751083, MONDO:0013148, OMIM 613123.

Allele frequency attached by ClinVar (database versions not stated): ExAC 0.00001; TOPMed 0.00002; gnomAD 0.00001; gnomAD exomes 0.00001; ESP Exome Variant Server 0.00008.
gnomAD v4.1: 21 of 1,613,976 alleles (0.0013%); highest among the groups gnomAD compares: East Asian, 0.0022%; no homozygotes.

Submissions (2):

Ambry Genetics
Classification: Uncertain significance for Cardiovascular phenotype. Last evaluated: 2026-05-28. Review status: criteria provided, single submitter. Criteria: Ambry Variant Classification Scheme 2023. Collection method: clinical testing. Allele origin: germline.
Comment: The p.M538V variant (also known as c.1612A>G), located in coding exon 5 of the HCN4 gene, results from an A to G substitution at nucleotide position 1612. The methionine at codon 538 is replaced by valine, an amino acid with highly similar properties. This amino acid position is conserved. In addition, this alteration is predicted to be deleterious by in silico analysis. Based on the available evidence, the clinical significance of this variant remains unclear.

Labcorp Genetics (formerly Invitae), Labcorp
Classification: Uncertain significance for Brugada syndrome 8. Last evaluated: 2024-12-25. Review status: criteria provided, single submitter. Criteria: Invitae Variant Classification Sherloc (09022015). Collection method: clinical testing. Allele origin: germline.
Comment: This sequence change replaces methionine, which is neutral and non-polar, with valine, which is neutral and non-polar, at codon 538 of the HCN4 protein (p.Met538Val). This variant is present in population databases (rs375571257, gnomAD 0.005%). This variant has not been reported in the literature in individuals affected with HCN4-related conditions. ClinVar contains an entry for this variant (Variation ID: 843808). Invitae Evidence Modeling of protein sequence and biophysical properties (such as structural, functional, and spatial information, amino acid conservation, physicochemical variation, residue mobility, and thermodynamic stability) indicates that this missense variant is expected to disrupt HCN4 protein function with a positive predictive value of 95%. In summary, the available evidence is currently insufficient to determine the role of this variant in disease. Therefore, it has been classified as a Variant of Uncertain Significance.